The following is an entry in ClinVar:

NM_003331.5(TYK2):c.1368-331_1368-324del

Gene: TYK2 (tyrosine kinase 2; minus strand). Cytogenetic location: 19p13.2.
Variant type: Deletion.
Coding change: c.1368-331_1368-324del on transcript NM_003331.5 (MANE Select); 331 bases into the intron before coding-DNA position 1368 through 324 bases into the intron before coding-DNA position 1368, 8 bases deleted (TGTTGAGG; older notation c.1368-331_1368-324delTGTTGAGG).
Molecular consequence: intron variant.
Genome position (GRCh38, 1-based): chr19:10,362,981-10,362,988, CCTCAACA deleted on the plus strand (TGTTGAGG on the coding strand, the reverse complement: TYK2 is on the minus strand); deleting any 8 consecutive bases within chr19:10,362,981-10,362,995 gives the same sequence; the c. name uses the placement nearest the transcript's 3' end. VCF-style (leftmost placement, unchanged base first): chr19-10362980-GCCTCAACA-G. GRCh37 (hg19) VCF-style: chr19-10473656-GCCTCAACA-G.
Other names: c.1368-331_1368-324del (NM_001385199.1, NM_001385206.1, NM_001385207.1 and 6 more transcripts); c.1278-331_1278-324del (NM_001385205.1); c.1170-331_1170-324del (NM_001385201.1).
Identifiers: ClinVar variation 669673 (VCV000669673.1), dbSNP rs3074538, ClinGen allele CA305205285.

ClinVar aggregate classification (germline): Benign (1 of 4 stars; one submission).

Submission:

GeneDx
Classification: Benign. Last evaluated: 2018-06-16. Review status: criteria provided, single submitter. Criteria: GeneDx Variant Classification (06012015). Collection method: clinical testing. Allele origin: germline. Affected: yes.
Comment: This variant is considered likely benign or benign based on one or more of the following criteria: it is a conservative change, it occurs at a poorly conserved position in the protein, it is predicted to be benign by multiple in silico algorithms, and/or has population frequency not consistent with disease.